The following is an entry in ClinVar:

NM_001367479.1(DNAH14):c.9871T>C (p.Trp3291Arg)

Gene: DNAH14 (dynein axonemal heavy chain 14; plus strand). Cytogenetic location: 1q42.12.
Variant type: single nucleotide variant.
Coding change: c.9871T>C on transcript NM_001367479.1 (MANE Select); coding-DNA position 9871, T replaced by C.
Protein change: p.Trp3291Arg; replaces tryptophan 3291 with arginine.
Molecular consequence: missense variant.
Genome position (GRCh38, 1-based): chr1:225,333,297, T>C. VCF-style: chr1-225333297-T-C. GRCh37 (hg19) VCF-style: chr1-225520999-T-C.
Other names: NM_001373.1:c.9592T>C; short protein forms W3291R.
Identifiers: ClinVar variation 4869936 (VCV004869936.1).

ClinVar aggregate classification (germline): Uncertain significance (1 of 4 stars; one submission).

gnomAD v4.1: 1 of 1,550,260 alleles (0.000065%); highest among the groups gnomAD compares: African/African-American, 0.0014%; no homozygotes.

Submission:

Ambry Genetics
Classification: Uncertain significance. Last evaluated: 2026-04-28. Review status: criteria provided, single submitter. Criteria: Ambry Variant Classification Scheme 2023. Collection method: clinical testing. Allele origin: germline.
Comment: The c.9592T>C (p.W3198R) alteration is located in exon 64 (coding exon 63) of the DNAH14 gene. This alteration results from a T to C substitution at nucleotide position 9592, causing the tryptophan (W) at amino acid position 3198 to be replaced by an arginine (R). Based on data from gnomAD, the C allele has an overall frequency of 0.003% (1/31394) total alleles studied. The highest observed frequency was 0.012% (1/8714) of African alleles. Based on insufficient or conflicting evidence, the clinical significance of this alteration remains unclear.